The following is an entry in ClinVar:

ClinVar aggregate classification (germline): Uncertain significance (1 of 4 stars; one submission).

gnomAD v4.1: 163 of 1,614,078 alleles (0.01%); highest among the groups gnomAD compares: South Asian, 0.045%; no homozygotes.

Submission:

Labcorp Genetics (formerly Invitae), Labcorp
Classification: Uncertain significance. Last evaluated: 2026-01-14. Review status: criteria provided, single submitter. Criteria: Invitae Variant Classification Sherloc (09022015). Collection method: clinical testing. Allele origin: germline.
Comment: This sequence change replaces valine, which is neutral and non-polar, with isoleucine, which is neutral and non-polar, at codon 39 of the COLEC11 protein (p.Val39Ile). This variant is present in population databases (rs778792218, gnomAD 0.05%). This variant has not been reported in the literature in individuals affected with COLEC11-related conditions. An algorithm developed to predict the effect of missense changes on protein structure and function (PolyPhen-2) suggests that this variant is likely to be tolerated. In summary, the available evidence is currently insufficient to determine the role of this variant in disease. Therefore, it has been classified as a Variant of Uncertain Significance.

NM_024027.5(COLEC11):c.115G>A (p.Val39Ile)

Gene: COLEC11 (collectin subfamily member 11; plus strand). Cytogenetic location: 2p25.3.
Variant type: single nucleotide variant.
Coding change: c.115G>A on transcript NM_024027.5 (MANE Select); coding-DNA position 115, G replaced by A.
Protein change: p.Val39Ile; replaces valine 39 with isoleucine.
Molecular consequence: missense variant. On other transcripts: synonymous variant (1), non-coding transcript variant (1).
Genome position (GRCh38, 1-based): chr2:3,604,455, G>A. VCF-style: chr2-3604455-G-A. GRCh37 (hg19) VCF-style: chr2-3652045-G-A.
Other names: c.115G>A, p.Val39Ile (NM_001255982.2, NM_001255983.2, NM_001255984.2); c.157G>A, p.Val53Ile (NM_001255985.1); c.27G>A, p.Ser9= (NM_199235.3); short protein forms V53I, V39I.
Identifiers: ClinVar variation 4740709 (VCV004740709.1).